The following is an entry in ClinVar:

NM_001102469.2(LIPN):c.108+1G>A

Gene: LIPN (lipase family member N; plus strand). Cytogenetic location: 10q23.31.
Variant type: single nucleotide variant.
Coding change: c.108+1G>A on transcript NM_001102469.2 (MANE Select); the canonical splice donor site of the intron after coding-DNA position 108, G replaced by A.
Molecular consequence: splice donor variant.
Genome position (GRCh38, 1-based): chr10:88,761,514, G>A. VCF-style: chr10-88761514-G-A. GRCh37 (hg19) VCF-style: chr10-90521271-G-A.
Identifiers: ClinVar variation 1698464 (VCV001698464.1), dbSNP rs928347834, ClinGen allele CA377501764.
Genomic context (GRCh38, chr10:88,761,514, plus strand): 5'-AATGCTGGTGGATTCCTTGATTTGGAAAATGAAGTGAATCCTGAGGTGTGGATGAATACT[G>A]TAAGTCATGGAAAACTGTGAAGAACATCAAATAAAGCAGGACTAATGGAGTATGAGGTTA-3'

ClinVar aggregate classification (germline): Uncertain significance (1 of 4 stars; one submission).

gnomAD v4.1: 1 of 1,591,900 alleles (0.000063%); highest among the groups gnomAD compares: South Asian, 0.0011%; no homozygotes.

Submission:

Women's Health and Genetics/Laboratory Corporation of America, LabCorp
Classification: Uncertain significance. Last evaluated: 2022-06-03. Review status: criteria provided, single submitter. Criteria: LabCorp Variant Classification Summary - May 2015. Collection method: clinical testing. Allele origin: germline.
Comment: Variant summary: LIPN c.108+1G>A is located in a canonical splice-site and is predicted to affect mRNA splicing resulting in a significantly altered protein due to either exon skipping, shortening, or inclusion of intronic material. Several computational tools predict a significant impact on normal splicing: three predict the variant abolishes a 5 splicing donor site. However, these predictions have yet to be confirmed by functional studies. The variant was absent in 247860 control chromosomes. The available data on variant occurrences in the general population are insufficient to allow any conclusion about variant significance. To our knowledge, no occurrence of c.108+1G>A in individuals affected with Lamellar Ichthyosis and no experimental evidence demonstrating its impact on protein function have been reported. No clinical diagnostic laboratories have submitted clinical-significance assessments for this variant to ClinVar after 2014. Two truncation variants have been reported in ClinVar (one likely benign and one pathogenic). The mechansim of mutations in LIPN causing the disease has not been established. Based on the evidence outlined above, the variant was classified as uncertain significance.